The following is an entry in ClinVar:

NM_020999.4(NEUROG3):c.130G>A (p.Gly44Arg)

Gene: NEUROG3 (neurogenin 3; minus strand). Cytogenetic location: 10q22.1.
Variant type: single nucleotide variant.
Coding change: c.130G>A on transcript NM_020999.4 (MANE Select); coding-DNA position 130, G replaced by A.
Protein change: p.Gly44Arg; replaces glycine 44 with arginine.
Molecular consequence: missense variant.
Genome position (GRCh38, 1-based): chr10:69,572,914, C>T on the plus strand (G>A on the coding strand, the complement: NEUROG3 is on the minus strand). VCF-style: chr10-69572914-C-T. GRCh37 (hg19) VCF-style: chr10-71332670-C-T.
Other names: short protein forms G44R.
Identifiers: ClinVar variation 2049034 (VCV002049034.3), dbSNP rs143182569, ClinGen allele CA5533769.

ClinVar aggregate classification (germline): Conflicting classifications of pathogenicity. Review status: criteria provided, conflicting classifications (1 of 4 stars). 3 submissions from 3 submitters: Uncertain significance (2); Likely benign (1). Last evaluated 2025-05-14.

Conditions:
Congenital malabsorptive diarrhea 4. Also called: ENTERIC ANENDOCRINOSIS; DIARRHEA 4, MALABSORPTIVE, CONGENITAL, WITH DIABETES MELLITUS AND COMBINED PITUITARY HORMONE DEFICIENCY. Identifiers: Orphanet 83620, MedGen C1835888, MONDO:0012479, OMIM 610370, HP:6001346.

Allele frequency attached by ClinVar (database versions not stated): gnomAD 0.00025; TOPMed 0.00027; ESP Exome Variant Server 0.00039; 1000 Genomes Project 0.00040; ExAC 0.00042; 1000 Genomes Project 30x 0.00047.

Submissions (3):

ARUP Laboratories, Molecular Genetics and Genomics, ARUP Laboratories
Classification: Uncertain significance for Congenital malabsorptive diarrhea 4. Last evaluated: 2025-05-14. Review status: criteria provided, single submitter. Criteria: ARUP Molecular Germline Variant Investigation Process 2024. Collection method: clinical testing. Allele origin: germline.
Comment: The NEUROG3 c.130G>A; p.Gly44Arg variant (rs143182569), to our knowledge, is not reported in the medical literature but is reported in ClinVar (Variation ID: 2049034). This variant is found in the general population with an overall allele frequency of 0.037% (101/274784 alleles) in the Genome Aggregation Database (v2.1.1). Computational analyses are uncertain whether this variant is neutral or deleterious (REVEL: 0.158). Due to limited information, the clinical significance of this variant is uncertain at this time.

3billion
Classification: Likely benign for Congenital malabsorptive diarrhea 4. Last evaluated: 2024-09-20. Review status: criteria provided, single submitter. Criteria: ACMG Guidelines, 2015. Collection method: clinical testing. Allele origin: germline. Affected: no.
Comment: The homozygous variant was found in patients diagnosed with another variant in a different gene, with no symptoms related to the gene containing the homozygous variant.

Labcorp Genetics (formerly Invitae), Labcorp
Classification: Uncertain significance. Last evaluated: 2022-10-24. Review status: criteria provided, single submitter. Criteria: Invitae Variant Classification Sherloc (09022015). Collection method: clinical testing. Allele origin: germline.
Comment: This sequence change replaces glycine, which is neutral and non-polar, with arginine, which is basic and polar, at codon 44 of the NEUROG3 protein (p.Gly44Arg). This variant is present in population databases (rs143182569, gnomAD 0.2%). This variant has not been reported in the literature in individuals affected with NEUROG3-related conditions. Algorithms developed to predict the effect of missense changes on protein structure and function output the following: SIFT: "Tolerated"; PolyPhen-2: "Benign"; Align-GVGD: "Class C0". The arginine amino acid residue is found in multiple mammalian species, which suggests that this missense change does not adversely affect protein function. In summary, the available evidence is currently insufficient to determine the role of this variant in disease. Therefore, it has been classified as a Variant of Uncertain Significance.